The following is an entry in ClinVar:

NM_001267550.2(TTN):c.94231G>A (p.Ala31411Thr)

Genes: TTN-AS1 (TTN antisense RNA 1; plus strand), TTN (titin; minus strand). Cytogenetic location: 2q31.2.
Variant type: single nucleotide variant.
Coding change: c.94231G>A on transcript NM_001267550.2 (MANE Select); coding-DNA position 94231, G replaced by A.
Protein change: p.Ala31411Thr; replaces alanine 31411 with threonine.
Molecular consequence: missense variant.
Genome position (GRCh38, 1-based): chr2:178,547,294, C>T on the plus strand (G>A on the coding strand, the complement: TTN is on the minus strand). VCF-style: chr2-178547294-C-T. GRCh37 (hg19) VCF-style: chr2-179412021-C-T.
Other names: c.89308G>A, p.Ala29770Thr (NM_001256850.1); c.67036G>A, p.Ala22346Thr (NM_003319.4); c.86527G>A, p.Ala28843Thr (NM_133378.4); c.67411G>A, p.Ala22471Thr (NM_133432.3); c.67612G>A, p.Ala22538Thr (NM_133437.4); short protein forms A22538T, A29770T, A22346T, A28843T, A22471T, A31411T.
Identifiers: ClinVar variation 1755014 (VCV001755014.24), dbSNP rs745652405, ClinGen allele CA1987167.

ClinVar aggregate classification (germline): Uncertain significance. Review status: criteria provided, multiple submitters, no conflicts (2 of 4 stars). 2 submissions from 2 submitters: Uncertain significance (2). Last evaluated 2023-12-01.

Conditions:
Cardiovascular phenotype. Identifiers: MedGen CN230736.

Allele frequency attached by ClinVar (database versions not stated): gnomAD exomes 0.00001; gnomAD 0.00002; TOPMed 0.00003; ExAC 0.00005.
gnomAD v4.1: 27 of 1,605,944 alleles (0.0017%); highest among the groups gnomAD compares: East Asian, 0.013%; no homozygotes.

Submissions (2):

CeGaT Center for Human Genetics Tuebingen
Classification: Uncertain significance. Last evaluated: 2023-12-01. Review status: criteria provided, single submitter. Criteria: CeGaT Center For Human Genetics Tuebingen Variant Classification Criteria Version 2. Collection method: clinical testing. Allele origin: germline. Affected: yes. Observed: 1 variant allele.
Comment: TTN: PM2:Supporting, BP4

Ambry Genetics
Classification: Uncertain significance for Cardiovascular phenotype. Last evaluated: 2019-11-01. Review status: criteria provided, single submitter. Criteria: Ambry Variant Classification Scheme 2023. Collection method: clinical testing. Allele origin: germline.
Comment: The p.A22346T variant (also known as c.67036G>A), located in coding exon 167 of the TTN gene, results from a G to A substitution at nucleotide position 67036. The alanine at codon 22346 is replaced by threonine, an amino acid with similar properties. This amino acid position is not well conserved in available vertebrate species. In addition, this alteration is predicted to be tolerated by in silico analysis. Since supporting evidence is limited at this time, the clinical significance of this alteration remains unclear.